The following is an entry in ClinVar:

NM_000051.4(ATM):c.8152-1G>A

Genes: ATM (ATM serine/threonine kinase; plus strand), C11orf65 (chromosome 11 open reading frame 65; minus strand). Cytogenetic location: 11q22.3.
Variant type: single nucleotide variant.
Coding change: c.8152-1G>A on transcript NM_000051.4 (MANE Select); the canonical splice acceptor site of the intron before coding-DNA position 8152, G replaced by A.
Molecular consequence: splice acceptor variant. On other transcripts: intron variant (2).
Genome position (GRCh38, 1-based): chr11:108,335,844, G>A. VCF-style: chr11-108335844-G-A. GRCh37 (hg19) VCF-style: chr11-108206571-G-A.
Other names: c.8152-1G>A (NM_001351834.2); c.641-26773C>T (NM_001330368.2); c.695-552C>T (NM_001351110.2).
Identifiers: ClinVar variation 451773 (VCV000451773.38), dbSNP rs1398616877, ClinGen allele CA382562325.

ClinVar aggregate classification (germline): Pathogenic/Likely pathogenic. Review status: criteria provided, multiple submitters, no conflicts (2 of 4 stars). 8 submissions from 7 submitters: Pathogenic (4); Likely pathogenic (3). 1 of the submissions does not count toward it. Last evaluated 2025-06-24.

Conditions:
Hereditary cancer-predisposing syndrome. Also called: Neoplastic Syndromes, Hereditary; Hereditary Cancer Syndrome; Tumor predisposition; Hereditary neoplastic syndrome. Identifiers: Orphanet 140162, MedGen C0027672, MeSH D009386, MONDO:0015356.
Familial cancer of breast. Also called: Hereditary breast cancer; BREAST CANCER, FAMILIAL; hereditary breast carcinoma. Identifiers: Orphanet 227535, MedGen C0346153, MONDO:0016419, OMIM 114480. Disease mechanism: loss of function.
Ataxia-telangiectasia syndrome (AT). Also called: LOUIS-BAR SYNDROME; Cerebello-oculocutaneous telangiectasia; Immunodeficiency with ataxia telangiectasia; Ataxia-telangiectasia, complementation group D; AT, COMPLEMENTATION GROUP C; Ataxia-telangiectasia, complementation group E. Identifiers: Orphanet 100, MedGen C0004135, MONDO:0008840, OMIM 208900.

Allele frequency attached by ClinVar (database versions not stated): gnomAD exomes below 0.00001.
gnomAD v4.1: 1 of 1,610,548 alleles (0.000062%); highest among the groups gnomAD compares: Non-Finnish European, 0.000085%; no homozygotes.

Submissions (8):

Labcorp Genetics (formerly Invitae), Labcorp
Classification: Pathogenic for Ataxia-telangiectasia syndrome. Last evaluated: 2025-06-24. Review status: criteria provided, single submitter. Criteria: Invitae Variant Classification Sherloc (09022015). Collection method: clinical testing. Allele origin: germline.
Comment: This sequence change affects an acceptor splice site in intron 55 of the ATM gene. RNA analysis indicates that disruption of this splice site induces altered splicing and may result in an absent or altered protein product. This variant is present in population databases (no rsID available, gnomAD no frequency). Disruption of this splice site has been observed in individual(s) with clinical features of ATM-related conditions (PMID: 28975465, 31130284). ClinVar contains an entry for this variant (Variation ID: 451773). Studies have shown that disruption of this splice site results in activation of cryptic splice sites, and produces a non-functional protein and/or introduces a premature termination codon (internal data). For these reasons, this variant has been classified as Pathogenic.

Ambry Genetics
Classification: Likely pathogenic for Hereditary cancer-predisposing syndrome. Last evaluated: 2025-06-12. Review status: criteria provided, single submitter. Criteria: Ambry Variant Classification Scheme 2023. Collection method: clinical testing. Allele origin: germline.
Comment: The c.8152-1G>A intronic variant results from a G to A substitution one nucleotide upstream from coding exon 55 of the ATM gene. This alteration has been observed in an individual with breast cancer (Siraj AK et al. Hum Genet, 2017 11;136:1431-1444). This variant has been reported in a homozygous state in an individual with dystonia, microcephaly, speech delay, fine and gross motor delay, but without ataxia and telangiectasia (Monies D et al. Am J Hum Genet, 2019 Jun;104:1182-1201). In silico splice site analysis predicts that this alteration will weaken the native splice acceptor site and will result in the creation or strengthening of a novel splice acceptor site. RNA studies have demonstrated that this alteration results in abnormal splicing in the set of samples tested (Ambry internal data). Alterations that disrupt the canonical splice site are expected to cause aberrant splicing, resulting in an abnormal protein or a transcript that is subject to nonsense-mediated mRNA decay. As such, this alteration is classified as likely pathogenic.

Genomic Medicine Center of Excellence, King Faisal Specialist Hospital and Research Centre
Classification: Pathogenic for Ataxia-telangiectasia syndrome. Last evaluated: 2024-03-14. Review status: criteria provided, single submitter. Criteria: ACMG Guidelines, 2015. Collection method: research. Allele origin: germline.

Myriad Genetics, Inc.
Classification: Likely pathogenic for Familial cancer of breast. Last evaluated: 2024-02-01. Review status: criteria provided, single submitter. Criteria: Myriad Autosomal Dominant, Autosomal Recessive and X-Linked Classification Criteria (2023). Collection method: clinical testing. Allele origin: unknown.
Comment: This variant is considered likely pathogenic. This variant occurs within a consensus splice junction and is predicted to result in abnormal mRNA splicing of either an out-of-frame exon or an in-frame exon necessary for protein stability and/or normal function.

Baylor Genetics
Classification: Pathogenic for Familial cancer of breast. Last evaluated: 2022-11-18. Review status: criteria provided, single submitter. Criteria: ACMG Guidelines, 2015. Collection method: clinical testing. Allele origin: unknown.

GeneDx
Classification: Likely pathogenic. Last evaluated: 2021-07-07. Review status: criteria provided, single submitter. Criteria: GeneDx Variant Classification Process June 2021. Collection method: clinical testing. Allele origin: germline. Affected: yes.
Comment: Canonical splice site variant predicted to result in an in-frame deletion that disrupts the critical kinase domain (Stracker 2013); Not observed at a significant frequency in large population cohorts (Lek 2016); This variant is associated with the following publications: (PMID: 31130284, 32552793, 15279808, 23532176, 27535533, 23807571, 25614872, 28975465, 27533158)

Baylor Genetics
Classification: Pathogenic for Ataxia-telangiectasia syndrome. Last evaluated: 2020-01-13. Review status: criteria provided, single submitter. Criteria: ACMG Guidelines, 2015. Collection method: clinical testing. Allele origin: unknown. Affected: yes.
Comment: This variant was determined to be pathogenic according to ACMG Guidelines, 2015 [PMID:25741868].

Clinical Laboratory Sciences Program (CLSP), King Saud bin Abdulaziz University for Health Sciences (KSAU-HS)
Classification: Pathogenic for Ataxia-telangiectasia syndrome. Last evaluated: 2023-04-01. Review status: no assertion criteria provided. Collection method: clinical testing. Allele origin: germline. Affected: yes. Not counted in ClinVar's aggregate classification.

Literature cited by the submitters: PubMed 28975465 (cited by Labcorp Genetics (formerly Invitae), Labcorp and Ambry Genetics); PubMed 31130284 (cited by Labcorp Genetics (formerly Invitae), Labcorp and Ambry Genetics).